The following is an entry in ClinVar:

ClinVar aggregate classification (germline): Uncertain significance (1 of 4 stars; one submission).

Allele frequency attached by ClinVar (database versions not stated): gnomAD exomes below 0.00001; TOPMed 0.00002; ExAC 0.00002.
gnomAD v4.1: 1 of 1,611,938 alleles (0.000062%); highest among the groups gnomAD compares: Admixed American, 0.0017%; no homozygotes.

Submission:

Ambry Genetics
Classification: Uncertain significance. Last evaluated: 2025-12-10. Review status: criteria provided, single submitter. Criteria: Ambry Variant Classification Scheme 2023. Collection method: clinical testing. Allele origin: germline.
Comment: The p.A650V variant (also known as c.1949C>T), located in coding exon 19 of the KIF1B gene, results from a C to T substitution at nucleotide position 1949. The alanine at codon 650 is replaced by valine, an amino acid with similar properties. This amino acid position is highly conserved in available vertebrate species. In addition, the in silico prediction for this alteration is inconclusive. The evidence for this gene-disease relationship is limited; therefore, the clinical significance of this alteration is unclear.

NM_001365951.3(KIF1B):c.2087C>T (p.Ala696Val)

Gene: KIF1B (kinesin family member 1B; plus strand). Cytogenetic location: 1p36.22.
Variant type: single nucleotide variant.
Coding change: c.2087C>T on transcript NM_001365951.3 (MANE Select); coding-DNA position 2087, C replaced by T.
Protein change: p.Ala696Val; replaces alanine 696 with valine.
Molecular consequence: missense variant.
Genome position (GRCh38, 1-based): chr1:10,297,218, C>T. VCF-style: chr1-10297218-C-T. GRCh37 (hg19) VCF-style: chr1-10357276-C-T.
Other names: c.2087C>T, p.Ala696Val (NM_001365952.1); c.1949C>T, p.Ala650Val (NM_001365953.1, NM_015074.3, NM_183416.4); short protein forms A650V, A696V.
Identifiers: ClinVar variation 1783173 (VCV001783173.4), dbSNP rs746177957, ClinGen allele CA581153.